The following is an entry in ClinVar:

ClinVar aggregate classification (germline): Likely pathogenic (1 of 4 stars; one submission).

Conditions:
Tuberous sclerosis 2 (TSC2). Identifiers: Orphanet 805, MedGen C1860707, MONDO:0013199, OMIM 613254.

Submission:

Labcorp Genetics (formerly Invitae), Labcorp
Classification: Likely pathogenic for Tuberous sclerosis 2. Last evaluated: 2020-08-31. Review status: criteria provided, single submitter. Criteria: Invitae Variant Classification Sherloc (09022015). Collection method: clinical testing. Allele origin: germline.
Comment: This variant disrupts the p.Glu1552 amino acid residue in TSC2. Other variant(s) that disrupt this residue have been determined to be pathogenic (PMID: 11112665, 22903760, 23389244). This suggests that this residue is clinically significant, and that variants that disrupt this residue are likely to be disease-causing. This variant has not been reported in the literature in individuals with TSC2-related conditions. This variant is a gross deletion of the genomic region encompassing exon(s) 33-42 of the TSC2 gene. The 5' boundary is likely confined to intron 32. The 3' end of this event is unknown as it extends through the termination codon beyond the assayed region for this gene and may encompass additional genes. While this deletion is not anticipated to result in nonsense mediated decay, it is expected to create a truncated protein product or disrupt mRNA translation. In summary, the currently available evidence indicates that the variant is pathogenic, but additional data are needed to prove that conclusively. Therefore, this variant has been classified as Likely Pathogenic.

Literature cited by the submitters: PubMed 11112665; PubMed 22903760; PubMed 23389244.

NC_000016.9:g.(?_2133686)_(2138611_?)del

Gene: TSC2 (TSC complex subunit 2; plus strand). Cytogenetic location: 16p13.3.
Variant type: Deletion.
Identifiers: ClinVar variation 1067564 (VCV001067564.7).